The following is an entry in ClinVar:

ClinVar aggregate classification (germline): Pathogenic. Review status: criteria provided, multiple submitters, no conflicts (2 of 4 stars). 4 submissions from 4 submitters: Pathogenic (2). 2 of the submissions do not count toward it. Last evaluated 2023-08-02.

Conditions:
GNPTG-mucolipidosis. Also called: MUCOLIPIDOSIS III, COMPLEMENTATION GROUP C; MUCOLIPIDOSIS III, IRANIAN VARIANT FORM; MUCOLIPIDOSIS III, VARIANT FORM; ML III GAMMA; ML IIIC; Mucolipidosis type III gamma. Identifiers: Orphanet 423470, Orphanet 577, MedGen C1854896, MONDO:0009652, OMIM 252605.

Allele frequency attached by ClinVar (database versions not stated): gnomAD exomes below 0.00001.
gnomAD v4.1: 1 of 1,612,720 alleles (0.000062%); highest among the groups gnomAD compares: Non-Finnish European, 0.000085%; no homozygotes.

Submissions (4):

Labcorp Genetics (formerly Invitae), Labcorp
Classification: Pathogenic. Last evaluated: 2023-08-02. Review status: criteria provided, single submitter. Criteria: Invitae Variant Classification Sherloc (09022015). Collection method: clinical testing. Allele origin: germline.
Comment: ClinVar contains an entry for this variant (Variation ID: 2797). For these reasons, this variant has been classified as Pathogenic. This sequence change creates a premature translational stop signal (p.Trp111*) in the GNPTG gene. It is expected to result in an absent or disrupted protein product. Loss-of-function variants in GNPTG are known to be pathogenic (PMID: 19370764, 20301784). This premature translational stop signal has been observed in individual(s) with mucolipidosis III gamma (PMID: 19370764). This variant is not present in population databases (gnomAD no frequency).

Eurofins Ntd Llc (ga)
Classification: Pathogenic. Last evaluated: 2016-10-27. Review status: criteria provided, single submitter. Criteria: EGL Classification Definitions 2015. Collection method: clinical testing. Allele origin: germline. Observed: 1 variant allele, 1 homozygote.

OMIM
Classification: Pathogenic for MUCOLIPIDOSIS III GAMMA. Last evaluated: 2009-06-01. Review status: no assertion criteria provided. Collection method: literature only. Allele origin: germline. Not counted in ClinVar's aggregate classification.

GeneReviews
No classification provided. Condition: GNPTG-mucolipidosis. Review status: no classification provided. Collection method: literature only. Allele origin: unknown. Not counted in ClinVar's aggregate classification.

Literature cited by the submitters: PubMed 19370764 (cited by Labcorp Genetics (formerly Invitae), Labcorp and OMIM); PubMed 20301784 (cited by Labcorp Genetics (formerly Invitae), Labcorp and GeneReviews); NCBI Bookshelf NBK24701 (cited by GeneReviews).

NM_032520.5(GNPTG):c.333G>A (p.Trp111Ter)

Gene: GNPTG (N-acetylglucosamine-1-phosphate transferase subunit gamma; plus strand). Cytogenetic location: 16p13.3.
Variant type: single nucleotide variant.
Coding change: c.333G>A on transcript NM_032520.5 (MANE Select); coding-DNA position 333, G replaced by A.
Protein change: p.Trp111Ter; replaces tryptophan 111 with a stop codon.
Molecular consequence: nonsense.
Genome position (GRCh38, 1-based): chr16:1,362,053, G>A. VCF-style: chr16-1362053-G-A. GRCh37 (hg19) VCF-style: chr16-1412054-G-A.
Other names: short protein forms W111*.
Identifiers: ClinVar variation 2797 (VCV000002797.10), dbSNP rs137852884, ClinGen allele CA340020.